The following is an entry in ClinVar:

NM_002979.5(SCP2):c.365A>G (p.Glu122Gly)

Gene: SCP2 (sterol carrier protein 2; plus strand). Cytogenetic location: 1p32.3.
Variant type: single nucleotide variant.
Coding change: c.365A>G on transcript NM_002979.5 (MANE Select); coding-DNA position 365, A replaced by G.
Protein change: p.Glu122Gly; replaces glutamic acid 122 with glycine.
Molecular consequence: missense variant.
Genome position (GRCh38, 1-based): chr1:52,954,773, A>G. VCF-style: chr1-52954773-A-G. GRCh37 (hg19) VCF-style: chr1-53420445-A-G.
Other names: p.Glu122Gly; c.233A>G, p.Glu78Gly (NM_001007098.3, NM_001193600.2); c.293A>G, p.Glu98Gly (NM_001193599.2); c.122A>G, p.Glu41Gly (NM_001193617.2); c.365A>G, p.Glu122Gly (NM_001330587.2); short protein forms E122G, E41G, E78G, E98G.
Identifiers: ClinVar variation 3379679 (VCV003379679.1).
Genomic context (GRCh38, chr1:52,954,773, plus strand): 5'-TTCAAAATAATTACGTTTTCCTTTAAGGTGTGGCAGAATGTGTCTTGGCTCTTGGGTTTG[A>G]GAAGATGAGTAAGGGAAGCCTTGGAATAAAAGTGAGTGTTATTTTGGCATAGTTACTAAA-3'
Protein context (NP_002970.2, residues 112-132): VAECVLALGF[Glu122Gly]KMSKGSLGIK

ClinVar aggregate classification (germline): Uncertain significance (1 of 4 stars; one submission).

gnomAD v4.1: 6 of 1,613,768 alleles (0.00037%); highest among the groups gnomAD compares: Non-Finnish European, 0.00042%; no homozygotes.

Submission:

Mayo Clinic Laboratories, Mayo Clinic
Classification: Uncertain significance. Last evaluated: 2023-12-04. Review status: criteria provided, single submitter. Criteria: ACMG Guidelines, 2015. Collection method: clinical testing. Allele origin: germline. Observed: 1 variant allele.
Comment: PP3, PM2_moderate